The following is an entry in ClinVar:

ClinVar aggregate classification (germline): Benign. Review status: criteria provided, multiple submitters, no conflicts (2 of 4 stars). 3 submissions from 3 submitters: Benign (2). 1 of the submissions does not count toward it. Last evaluated 2021-05-04.

Conditions:
DNAH17-related disorder. Also called: DNAH17-related condition.

Allele frequency attached by ClinVar (database versions not stated): ExAC 0.00542; gnomAD 0.01543 and 0.01656; TOPMed 0.01756; ESP Exome Variant Server 0.01776; 1000 Genomes Project 0.02196; 1000 Genomes Project 30x 0.02295.
gnomAD v4.1: 4,987 of 1,613,778 alleles (0.31%); highest among the groups gnomAD compares: African/African-American, 5.6%; 135 homozygotes.

Submissions (3):

GeneDx
Classification: Benign. Last evaluated: 2021-05-04. Review status: criteria provided, single submitter. Criteria: GeneDx Variant Classification Process June 2021. Collection method: clinical testing. Allele origin: germline. Affected: yes.

Breakthrough Genomics
Classification: Benign. Review status: criteria provided, single submitter. Criteria: ACMG Guidelines, 2015. Collection method: not provided. Allele origin: germline. Inheritance: Autosomal recessive inheritance. Affected: yes.

PreventionGenetics, part of Exact Sciences
Classification: Benign for DNAH17-related condition. Last evaluated: 2020-03-02. Review status: no assertion criteria provided. Collection method: clinical testing. Allele origin: germline. Not counted in ClinVar's aggregate classification.
Comment: This variant is classified as benign based on ACMG/AMP sequence variant interpretation guidelines (Richards et al. 2015 PMID: 25741868, with internal and published modifications).

NM_173628.4(DNAH17):c.10476C>T (p.Thr3492=)

Gene: DNAH17 (dynein axonemal heavy chain 17; minus strand). Cytogenetic location: 17q25.3.
Variant type: single nucleotide variant.
Coding change: c.10476C>T on transcript NM_173628.4 (MANE Select); coding-DNA position 10476, C replaced by T.
Protein change: p.Thr3492=; no amino-acid change (threonine 3492 retained).
Molecular consequence: synonymous variant.
Genome position (GRCh38, 1-based): chr17:78,453,396, G>A on the plus strand (C>T on the coding strand, the complement: DNAH17 is on the minus strand). VCF-style: chr17-78453396-G-A. GRCh37 (hg19) VCF-style: chr17-76449478-G-A.
Identifiers: ClinVar variation 1294676 (VCV001294676.5), dbSNP rs7210803, ClinGen allele CA8800830.
Genomic context (GRCh38, chr17:78,453,396, plus strand): 5'-AACTCACTTTCCCTTTTTAATCGTGTTCCTGCCCAGTAGAGGGTCCAGCACGGGGTCCAC[G>A]GTTTCGCCGATGTTCTCAATGAGCAAGGTGTCCCCTTCCGAGATGGCCTGCTCGATGACA-3'
Protein context (NP_775899.3, residues 3482-3502): DTLLIENIGE[Thr3492=]VDPVLDPLLG